The following is an entry in ClinVar:

ClinVar aggregate classification (germline): Likely pathogenic (1 of 4 stars; one submission).

Submission:

GeneDx
Classification: Likely pathogenic. Last evaluated: 2016-01-28. Review status: criteria provided, single submitter. Criteria: GeneDx Variant Classification (06012015). Collection method: clinical testing. Allele origin: germline. Affected: yes.
Comment: The P383L variant in the SLC2A1 gene has not been reported previously as a pathogenic variant, nor as a benign variant, to our knowledge. The P383L variant was not observed in approximately 6,500 individuals of European and African American ancestry in the NHLBI Exome Sequencing Project, indicating it is not a common benign variant in these populations. The P383L variant is a semi-conservative amino acid substitution, which may impact secondary protein structure as these residues differ in some properties. This substitution occurs at a position that is conserved across species. In silico analysis predicts this variant is probably damaging to the protein structure/function. Missense variants in the same and nearby residues (P383H, G382D) have been reported in the Human Gene Mutation Database in association with glucose transporter type 1 deficiency syndrome (Stenson et al., 2014), supporting the functional importance of this region of the protein. The P383L variant is a strong candidate for a pathogenic variant.

NM_006516.4(SLC2A1):c.1148C>T (p.Pro383Leu)

Gene: SLC2A1 (solute carrier family 2 member 1; minus strand). Cytogenetic location: 1p34.2.
Variant type: single nucleotide variant.
Coding change: c.1148C>T on transcript NM_006516.4 (MANE Select); coding-DNA position 1148, C replaced by T.
Protein change: p.Pro383Leu; replaces proline 383 with leucine.
Molecular consequence: missense variant.
Genome position (GRCh38, 1-based): chr1:42,927,735, G>A on the plus strand (C>T on the coding strand, the complement: SLC2A1 is on the minus strand). VCF-style: chr1-42927735-G-A. GRCh37 (hg19) VCF-style: chr1-43393406-G-A.
Other names: short protein forms P383L.
Identifiers: ClinVar variation 383454 (VCV000383454.2), dbSNP rs1057521632, ClinGen allele CA16603688.